The following is an entry in ClinVar:

ClinVar aggregate classification (germline): Uncertain significance (1 of 4 stars; one submission).

Conditions:
Inflammatory skin and bowel disease, neonatal, 1. Identifiers: Orphanet 294023, MedGen C3280501, MONDO:0013693, OMIM 614328.

Allele frequency attached by ClinVar (database versions not stated): gnomAD 0.00002; gnomAD exomes 0.00001; TOPMed 0.00001; ExAC 0.00004; ESP Exome Variant Server 0.00008.
gnomAD v4.1: 13 of 1,613,950 alleles (0.00081%); highest among the groups gnomAD compares: Middle Eastern, 0.016%; no homozygotes.

Submission:

Labcorp Genetics (formerly Invitae), Labcorp
Classification: Uncertain significance for Inflammatory skin and bowel disease, neonatal, 1. Last evaluated: 2024-09-06. Review status: criteria provided, single submitter. Criteria: Invitae Variant Classification Sherloc (09022015). Collection method: clinical testing. Allele origin: germline.
Comment: This sequence change replaces arginine, which is basic and polar, with histidine, which is basic and polar, at codon 473 of the ADAM17 protein (p.Arg473His). This variant is present in population databases (rs368697823, gnomAD 0.02%). This variant has not been reported in the literature in individuals affected with ADAM17-related conditions. ClinVar contains an entry for this variant (Variation ID: 2079089). An algorithm developed to predict the effect of missense changes on protein structure and function (PolyPhen-2) suggests that this variant is likely to be tolerated. In summary, the available evidence is currently insufficient to determine the role of this variant in disease. Therefore, it has been classified as a Variant of Uncertain Significance.

NM_003183.6(ADAM17):c.1418G>A (p.Arg473His)

Genes: ADAM17 (ADAM metallopeptidase domain 17; minus strand), IAH1 (isoamyl acetate hydrolyzing esterase 1 (putative); plus strand). Cytogenetic location: 2p25.1.
Variant type: single nucleotide variant.
Coding change: c.1418G>A on transcript NM_003183.6 (MANE Select); coding-DNA position 1418, G replaced by A.
Protein change: p.Arg473His; replaces arginine 473 with histidine.
Molecular consequence: missense variant.
Genome position (GRCh38, 1-based): chr2:9,505,292, C>T on the plus strand (G>A on the coding strand, the complement: ADAM17 is on the minus strand). VCF-style: chr2-9505292-C-T. GRCh37 (hg19) VCF-style: chr2-9645421-C-T.
Other names: c.758G>A, p.Arg253His (NM_001382777.1); c.521G>A, p.Arg174His (NM_001382778.1); short protein forms R174H, R253H, R473H.
Identifiers: ClinVar variation 2079089 (VCV002079089.3), dbSNP rs368697823, ClinGen allele CA1523502.